The following is an entry in ClinVar:

NM_133259.4(LRPPRC):c.79C>G (p.Leu27Val)

Gene: LRPPRC (leucine rich pentatricopeptide repeat containing; minus strand). Cytogenetic location: 2p21.
Variant type: single nucleotide variant.
Coding change: c.79C>G on transcript NM_133259.4 (MANE Select); coding-DNA position 79, C replaced by G.
Protein change: p.Leu27Val; replaces leucine 27 with valine.
Molecular consequence: missense variant.
Genome position (GRCh38, 1-based): chr2:43,995,869, G>C on the plus strand (C>G on the coding strand, the complement: LRPPRC is on the minus strand). VCF-style: chr2-43995869-G-C. GRCh37 (hg19) VCF-style: chr2-44223008-G-C.
Other names: short protein forms L27V.
Identifiers: ClinVar variation 2662693 (VCV002662693.1), dbSNP rs116727742, ClinGen allele CA1639469.

ClinVar aggregate classification (germline): Uncertain significance (1 of 4 stars; one submission).

Allele frequency attached by ClinVar (database versions not stated): 1000 Genomes Project 30x 0.00125; 1000 Genomes Project 0.00140.
gnomAD v4.1: 82 of 1,494,480 alleles (0.0055%); highest among the groups gnomAD compares: South Asian, 0.099%; 1 homozygote.

Submission:

GeneDx
Classification: Uncertain significance. Last evaluated: 2023-04-14. Review status: criteria provided, single submitter. Criteria: GeneDx Variant Classification Process June 2021. Collection method: clinical testing. Allele origin: germline. Affected: yes.
Comment: In silico analysis supports that this missense variant does not alter protein structure/function; Has not been previously published as pathogenic or benign to our knowledge